The following is an entry in ClinVar:

NM_001044.5(SLC6A3):c.1031+6C>T

Gene: SLC6A3 (solute carrier family 6 member 3). Cytogenetic location: 5p15.33.
Variant type: single nucleotide variant.
Coding change: c.1031+6C>T on transcript NM_001044.5 (MANE Select); 6 bases into the intron after coding-DNA position 1031, C replaced by T.
Molecular consequence: intron variant.
Genome position (GRCh38, 1-based): chr5:1,416,092, G>A on the plus strand (C>T on the coding strand, the complement: SLC6A3 is on the minus strand). VCF-style: chr5-1416092-G-A. GRCh37 (hg19) VCF-style: chr5-1416207-G-A.
Identifiers: ClinVar variation 1432359 (VCV001432359.3), dbSNP rs767925756, ClinGen allele CA3186202.

ClinVar aggregate classification (germline): Uncertain significance (1 of 4 stars; one submission).

Conditions:
Parkinsonism-dystonia, infantile. Identifiers: Orphanet 238455, MedGen C2751067, MONDO:0013150.

Submission:

Labcorp Genetics (formerly Invitae), Labcorp
Classification: Uncertain significance for Parkinsonism-dystonia, infantile. Last evaluated: 2021-07-16. Review status: criteria provided, single submitter. Criteria: Invitae Variant Classification Sherloc (09022015). Collection method: clinical testing. Allele origin: germline.
Comment: This sequence change falls in intron 7 of the SLC6A3 gene. It does not directly change the encoded amino acid sequence of the SLC6A3 protein. It affects a nucleotide within the consensus splice site of the intron. This variant is present in population databases (rs767925756, ExAC 0.003%). This variant has not been reported in the literature in individuals with SLC6A3-related conditions. Nucleotide substitutions within the consensus splice site are a relatively common cause of aberrant splicing (PMID: 17576681, 9536098). Algorithms developed to predict the effect of sequence changes on RNA splicing suggest that this variant is not likely to affect RNA splicing, but this prediction has not been confirmed by published transcriptional studies. In summary, the available evidence is currently insufficient to determine the role of this variant in disease. Therefore, it has been classified as a Variant of Uncertain Significance.

Literature cited by the submitters: PubMed 17576681; PubMed 9536098.